The following is an entry in ClinVar:

ClinVar aggregate classification (germline): Uncertain significance (1 of 4 stars; one submission).

Submission:

GeneDx
Classification: Uncertain significance. Last evaluated: 2026-02-20. Review status: criteria provided, single submitter. Criteria: GeneDx Variant Classification Process June 2021. Collection method: clinical testing. Allele origin: germline.
Comment: Not observed at significant frequency in large population cohorts (gnomAD); In-frame duplication of 2 amino acid(s) in a non-repeat region; Has not been previously published as pathogenic or benign to our knowledge

NM_173689.7(CRB2):c.119GTGCCT[3] (p.Ala43_Ser44insCysAla)

Gene: CRB2 (crumbs cell polarity complex component 2; plus strand). Cytogenetic location: 9q33.3.
Variant type: Microsatellite.
Coding change: c.119GTGCCT[3] on transcript NM_173689.7 (MANE Select); three copies in a row of the 6-base unit GTGCCT starting at c.119; the reference has two copies in a row; one copy, 6 bases duplicated.
Protein change: p.Ala43_Ser44insCysAla.
Molecular consequence: inframe insertion.
Genome position (GRCh38, 1-based): chr9:123,362,895-123,362,900, GTGCCT duplicated; duplicating any 6 consecutive bases within chr9:123,362,889-123,362,900 gives the same sequence; the position shown is the placement nearest the transcript's 3' end. VCF-style (leftmost placement, unchanged base first): chr9-123362888-A-AGTGCCT. GRCh37 (hg19) VCF-style: chr9-126125167-A-AGTGCCT.
Identifiers: ClinVar variation 5009658 (VCV005009658.1).